The following is an entry in ClinVar:

ClinVar aggregate classification (germline): Likely benign (1 of 4 stars; one submission).

Allele frequency attached by ClinVar (database versions not stated): gnomAD exomes below 0.00001; TOPMed below 0.00001; gnomAD 0.00001; ExAC 0.00002.
gnomAD v4.1: 4 of 1,614,098 alleles (0.00025%); highest among the groups gnomAD compares: Non-Finnish European, 0.00034%; no homozygotes.

Submission:

CeGaT Center for Human Genetics Tuebingen
Classification: Likely benign. Last evaluated: 2023-06-01. Review status: criteria provided, single submitter. Criteria: CeGaT Center For Human Genetics Tuebingen Variant Classification Criteria Version 2. Collection method: clinical testing. Allele origin: germline. Affected: yes. Observed: 1 variant allele.
Comment: ZNF142: BP4, BP7

NM_001379659.1(ZNF142):c.4962C>T (p.Cys1654=)

Gene: ZNF142 (zinc finger protein 142; minus strand). Cytogenetic location: 2q35.
Variant type: single nucleotide variant.
Coding change: c.4962C>T on transcript NM_001379659.1 (MANE Select); coding-DNA position 4962, C replaced by T.
Protein change: p.Cys1654=; no amino-acid change (cysteine 1654 retained).
Molecular consequence: synonymous variant.
Genome position (GRCh38, 1-based): chr2:218,642,154, G>A on the plus strand (C>T on the coding strand, the complement: ZNF142 is on the minus strand). VCF-style: chr2-218642154-G-A. GRCh37 (hg19) VCF-style: chr2-219506877-G-A.
Other names: c.4362C>T, p.Cys1454= (NM_001105537.5, NM_001366291.3, NM_001379662.1); c.3873C>T, p.Cys1291= (NM_001366287.3, NM_001366288.3, NM_001366289.3); c.4962C>T, p.Cys1654= (NM_001366290.3, NM_001379660.1, NM_001379661.1).
Identifiers: ClinVar variation 2651887 (VCV002651887.24), dbSNP rs756892380, ClinGen allele CA2108660.
Genomic context (GRCh38, chr2:218,642,154, plus strand): 5'-GTGGATGCGGCTGTGCCAGGTGATCTTCTGTCGGTTCTTGGTGCTGTAAGCACAATCGGT[G>A]CACTTGTAGAGACGAGTGCCCCCATGCCCTTTCACATGGTGATCTAGTACCAGCTGATGG-3'
Protein context (NP_001366588.1, residues 1644-1664): KGHGGTRLYK[Cys1654=]TDCAYSTKNR